The following is an entry in ClinVar:

NM_005529.7(HSPG2):c.12967A>T (p.Asn4323Tyr)

Genes: HSPG2 (heparan sulfate proteoglycan 2; minus strand), LDLRAD2 (low density lipoprotein receptor class A domain containing 2; plus strand). Cytogenetic location: 1p36.12.
Variant type: single nucleotide variant.
Coding change: c.12967A>T on transcript NM_005529.7 (MANE Select); coding-DNA position 12967, A replaced by T.
Protein change: p.Asn4323Tyr; replaces asparagine 4323 with tyrosine.
Molecular consequence: missense variant. On other transcripts: 3 prime UTR variant (1).
Genome position (GRCh38, 1-based): chr1:21,823,652, T>A on the plus strand (A>T on the coding strand, the complement: HSPG2 is on the minus strand). VCF-style: chr1-21823652-T-A. GRCh37 (hg19) VCF-style: chr1-22150145-T-A.
Other names: c.12967A>T (NM_005529.6); c.12970A>T, p.Asn4324Tyr (NM_001291860.2); c.*1437T>A (NM_001013693.3); short protein forms N4323Y, N4324Y.
Identifiers: ClinVar variation 2432618 (VCV002432618.5), dbSNP rs375607133, ClinGen allele CA669194.

ClinVar aggregate classification (germline): Uncertain significance. Review status: criteria provided, multiple submitters, no conflicts (2 of 4 stars). 2 submissions from 2 submitters: Uncertain significance (2). Last evaluated 2024-12-06.

Allele frequency attached by ClinVar (database versions not stated): ExAC 0.00001; gnomAD exomes below 0.00001; TOPMed 0.00001; ESP Exome Variant Server 0.00008.
gnomAD v4.1: 1 of 1,613,798 alleles (0.000062%); highest among the groups gnomAD compares: Non-Finnish European, 0.000085%; no homozygotes.

Submissions (2):

Athena Diagnostics
Classification: Uncertain significance. Last evaluated: 2024-12-06. Review status: criteria provided, single submitter. Criteria: Athena Diagnostics Criteria. Collection method: clinical testing. Allele origin: unknown.
Comment: Available data are insufficient to determine the clinical significance of the variant at this time. The frequency of this variant in the general population is uninformative in assessment of its pathogenicity. Polyphen and MutationTaster yielded discordant predictions regarding whether this amino acid change is damaging to the protein.

Revvity Omics, Revvity
Classification: Uncertain significance. Last evaluated: 2019-04-25. Review status: criteria provided, single submitter. Criteria: ACMG Guidelines, 2015. Collection method: clinical testing. Allele origin: germline.